The following is an entry in ClinVar:

NM_001278716.2(FBXL4):c.1580G>T (p.Arg527Ile)

Gene: FBXL4 (F-box and leucine rich repeat protein 4; minus strand). Cytogenetic location: 6q16.1.
Variant type: single nucleotide variant.
Coding change: c.1580G>T on transcript NM_001278716.2 (MANE Select); coding-DNA position 1580, G replaced by T.
Protein change: p.Arg527Ile; replaces arginine 527 with isoleucine.
Molecular consequence: missense variant. On other transcripts: non-coding transcript variant (1).
Genome position (GRCh38, 1-based): chr6:98,875,537, C>A on the plus strand (G>T on the coding strand, the complement: FBXL4 is on the minus strand). VCF-style: chr6-98875537-C-A. GRCh37 (hg19) VCF-style: chr6-99323413-C-A.
Other names: c.1580G>T (NM_012160.3); c.1580G>T, p.Arg527Ile (NM_012160.5); short protein forms R527I.
Identifiers: ClinVar variation 437775 (VCV000437775.2), dbSNP rs748236641, ClinGen allele CA3933418.

ClinVar aggregate classification (germline): Uncertain significance. Review status: criteria provided, multiple submitters, no conflicts (2 of 4 stars). 2 submissions from 2 submitters: Uncertain significance (2). Last evaluated 2024-02-27.

Conditions:
Mitochondrial DNA depletion syndrome 13. Also called: FBXL4-Related Encephalomyopathic Mitochondrial DNA Depletion Syndrome; Mitochondrial DNA depletion syndrome 13 (encephalomyopathic type). Identifiers: Orphanet 369897, MedGen C3809592, MONDO:0014198, OMIM 615471.

Allele frequency attached by ClinVar (database versions not stated): gnomAD 0.00001; gnomAD exomes 0.00001 and 0.00002; TOPMed 0.00001; ExAC 0.00002.
gnomAD v4.1: 6 of 1,614,024 alleles (0.00037%); highest among the groups gnomAD compares: Admixed American, 0.0083%; no homozygotes.

Submissions (2):

GeneDx
Classification: Uncertain significance. Last evaluated: 2024-02-27. Review status: criteria provided, single submitter. Criteria: GeneDx Variant Classification Process June 2021. Collection method: clinical testing. Allele origin: germline. Affected: yes.
Comment: Not observed at significant frequency in large population cohorts (gnomAD); In silico analysis supports that this missense variant does not alter protein structure/function; Has not been previously published as pathogenic or benign to our knowledge

Wong Mito Lab, Molecular and Human Genetics, Baylor College of Medicine
Classification: Uncertain significance for Mitochondrial DNA depletion syndrome 13. Last evaluated: 2017-08-10. Review status: criteria provided, single submitter. Criteria: ACMG Guidelines, 2015. Collection method: reference population. Allele origin: germline.
Comment: The NM_012160.4:c.1580G>T (NP_036292.2:p.Arg527Ile) [GRCH38: NC_000006.12:g.98875537C>A] variant in FBXL4 gene is interpretated to be a Uncertain Significance - Conflicting Evidence based on ACMG guidelines (PMID: 25741868). This variant meets one or more of the following evidence codes reported in the ACMG-guideline. PM2:This variant is absent in key population databases. BP4:Computational evidence/predictors indicate no impact on the FBXL4 structure, function, or protein-protein interaction. Based on this evidence code ClinGen Pathogenicity Calculator (PMID:28081714) suggested that the variant is Uncertain Significance - Conflicting Evidence.